The following is an entry in ClinVar:

NM_033656.4(BRWD1):c.*8856G>A

Gene: BRWD1 (bromodomain and WD repeat domain containing 1; minus strand). Cytogenetic location: 21q22.2.
Variant type: single nucleotide variant.
Coding change: c.*8856G>A on transcript NM_033656.4 (MANE Select); 8856 bases downstream of the stop codon, G replaced by A.
Molecular consequence: 3 prime UTR variant. On other transcripts: missense variant (1).
Genome position (GRCh38, 1-based): chr21:39,187,403, C>T on the plus strand (G>A on the coding strand, the complement: BRWD1 is on the minus strand). VCF-style: chr21-39187403-C-T. GRCh37 (hg19) VCF-style: chr21-40559329-C-T.
Other names: c.6586G>A, p.Asp2196Asn (NM_018963.5); short protein forms D2196N.
Identifiers: ClinVar variation 3052779 (VCV003052779.2), dbSNP rs146778195, ClinGen allele CA10026229.
Genomic context (GRCh38, chr21:39,187,403, plus strand): 5'-TCTGCACTGCATCCTTCTGATTATGCATACATGTTCTCACTTTTGTATTGGGTTCTCTGT[C>T]TCTAGGAACAAATTCTGAAAAATGAGTGAAAGTTCATGTAAATGCAAAAATCTTGTAACA-3'

ClinVar aggregate classification (germline): Likely benign (0 of 4 stars; one submission).

Conditions:
BRWD1-related disorder. Also called: BRWD1-related condition.

Allele frequency attached by ClinVar (database versions not stated): 1000 Genomes Project 30x 0.00031; 1000 Genomes Project 0.00040; TOPMed 0.00067; ESP Exome Variant Server 0.00092.
gnomAD v4.1: 166 of 1,556,690 alleles (0.011%); highest among the groups gnomAD compares: African/African-American, 0.2%; no homozygotes.

Submission:

PreventionGenetics, part of Exact Sciences
Classification: Likely benign for BRWD1-related condition. Last evaluated: 2019-04-02. Review status: no assertion criteria provided. Collection method: clinical testing. Allele origin: germline.
Comment: This variant is classified as likely benign based on ACMG/AMP sequence variant interpretation guidelines (Richards et al. 2015 PMID: 25741868, with internal and published modifications).